The following is an entry in ClinVar:

ClinVar aggregate classification (germline): Uncertain significance (1 of 4 stars; one submission).

Submission:

Labcorp Genetics (formerly Invitae), Labcorp
Classification: Uncertain significance. Last evaluated: 2023-07-03. Review status: criteria provided, single submitter. Criteria: Invitae Variant Classification Sherloc (09022015). Collection method: clinical testing. Allele origin: germline.
Comment: This sequence change replaces serine, which is neutral and polar, with asparagine, which is neutral and polar, at codon 1598 of the RP1 protein (p.Ser1598Asn). This variant is not present in population databases (gnomAD no frequency). This variant has not been reported in the literature in individuals affected with RP1-related conditions. ClinVar contains an entry for this variant (Variation ID: 955467). Algorithms developed to predict the effect of missense changes on protein structure and function output the following: SIFT: "Not Available"; PolyPhen-2: "Possibly Damaging"; Align-GVGD: "Not Available". The asparagine amino acid residue is found in multiple mammalian species, which suggests that this missense change does not adversely affect protein function. In summary, the available evidence is currently insufficient to determine the role of this variant in disease. Therefore, it has been classified as a Variant of Uncertain Significance.

NM_006269.2(RP1):c.4793G>A (p.Ser1598Asn)

Gene: RP1 (RP1 axonemal microtubule associated; plus strand). Cytogenetic location: 8q12.1.
Variant type: single nucleotide variant.
Coding change: c.4793G>A on transcript NM_006269.2 (MANE Select); coding-DNA position 4793, G replaced by A.
Protein change: p.Ser1598Asn; replaces serine 1598 with asparagine.
Molecular consequence: missense variant. On other transcripts: intron variant (1).
Genome position (GRCh38, 1-based): chr8:54,628,675, G>A. VCF-style: chr8-54628675-G-A. GRCh37 (hg19) VCF-style: chr8-55541235-G-A.
Other names: c.787+6387G>A (NM_001375654.1); short protein forms S1598N.
Identifiers: ClinVar variation 955467 (VCV000955467.9), dbSNP rs1806154422, ClinGen allele CA370983196.